The following is an entry in ClinVar:

ClinVar aggregate classification (germline): Pathogenic (1 of 4 stars; one submission).

Conditions:
Mucopolysaccharidosis, MPS-III-A (MPS3A). Also called: HEPARAN SULFATE SULFATASE DEFICIENCY; SANFILIPPO SYNDROME A; SULFAMIDASE DEFICIENCY; MPS III A; MUCOPOLYSACCHARIDOSIS, TYPE IIIA, ATTENUATED; Mucopolysaccharidosis type IIIA (Sanfilippo A). Identifiers: Orphanet 581, Orphanet 79269, MedGen C0086647, MONDO:0009655, OMIM 252900.

Submission:

Myriad Genetics, Inc.
Classification: Pathogenic for Mucopolysaccharidosis, MPS-III-A. Last evaluated: 2023-09-27. Review status: criteria provided, single submitter. Criteria: Myriad Autosomal Dominant, Autosomal Recessive and X-Linked Classification Criteria (2023). Collection method: clinical testing. Allele origin: unknown.
Comment: NM_000199.3(SGSH):c.48dupG(L17Afs*16) is expected to be pathogenic in the context of mucopolysaccharidosis type IIIA. This variant is predicted to lead to an abnormal or absent protein product due to the creation of a premature termination codon in SGSH, a gene where loss-of-function variants are known to be pathogenic. Please note: this variant was assessed in the context of healthy population screening.

NM_000199.5(SGSH):c.48dup (p.Leu17fs)

Gene: SGSH (N-sulfoglucosamine sulfohydrolase; minus strand). Cytogenetic location: 17q25.3.
Variant type: Duplication.
Coding change: c.48dup on transcript NM_000199.5 (MANE Select); coding-DNA position 48, one base duplicated (G; older notation c.48dupG).
Protein change: p.Leu17fs; shifts the reading frame from leucine 17.
Molecular consequence: frameshift variant. On other transcripts: non-coding transcript variant (1).
Genome position (GRCh38, 1-based): chr17:80,220,266, C duplicated on the plus strand (G on the coding strand, the reverse complement: SGSH is on the minus strand); the first of 4 consecutive C bases (chr17:80,220,266-80,220,269); duplicating any one gives the same sequence. VCF-style (leftmost placement, unchanged base first): chr17-80220265-G-GC. GRCh37 (hg19) VCF-style: chr17-78194064-G-GC.
Other names: c.48dup, p.Leu17fs (NM_001352921.3, NM_001352922.2); short protein forms L17fs.
Identifiers: ClinVar variation 5012213 (VCV005012213.1).